The following is an entry in ClinVar:

ClinVar aggregate classification (germline): Uncertain significance. Review status: criteria provided, multiple submitters, no conflicts (2 of 4 stars). 3 submissions from 3 submitters: Uncertain significance (3). Last evaluated 2025-10-27.

Conditions:
Inborn genetic diseases. Identifiers: MedGen C0950123, MeSH D030342.
Brachyolmia-amelogenesis imperfecta syndrome. Also called: PLATYSPONDYLY WITH AMELOGENESIS IMPERFECTA; Tooth agenesis, selective, 6; Dental anomalies and short stature. Identifiers: Orphanet 2899, MedGen C1832594, MONDO:0011018, OMIM 601216. Disease mechanism: loss of function.

Allele frequency attached by ClinVar (database versions not stated): TOPMed below 0.00001.
gnomAD v4.1: 1 of 1,613,098 alleles (0.000062%); highest among the groups gnomAD compares: Non-Finnish European, 0.000085%; no homozygotes.

Submissions (3):

Women's Health and Genetics/Laboratory Corporation of America, LabCorp
Classification: Uncertain significance. Last evaluated: 2025-10-27. Review status: criteria provided, single submitter. Criteria: LabCorp Variant Classification Summary - May 2015. Collection method: clinical testing. Allele origin: germline.
Comment: Variant summary: LTBP3 c.2877C>G (p.Cys959Trp) results in a non-conservative amino acid change in the encoded protein sequence. Algorithms developed to predict the effect of missense changes on protein structure and function are either unavailable or do not agree on the potential impact of this missense change. The variant was absent in 249022 control chromosomes. The available data on variant occurrences in the general population are insufficient to allow any conclusion about variant significance. To our knowledge, no occurrence of c.2877C>G in individuals affected with LTBP3-related conditions and no experimental evidence demonstrating its impact on protein function have been reported. ClinVar contains an entry for this variant (Variation ID: 3233163). Based on the evidence outlined above, the variant was classified as uncertain significance.

Labcorp Genetics (formerly Invitae), Labcorp
Classification: Uncertain significance for Brachyolmia-amelogenesis imperfecta syndrome. Last evaluated: 2024-10-07. Review status: criteria provided, single submitter. Criteria: Invitae Variant Classification Sherloc (09022015). Collection method: clinical testing. Allele origin: germline.
Comment: This sequence change replaces cysteine, which is neutral and slightly polar, with tryptophan, which is neutral and slightly polar, at codon 959 of the LTBP3 protein (p.Cys959Trp). This variant is not present in population databases (gnomAD no frequency). This variant has not been reported in the literature in individuals affected with LTBP3-related conditions. An algorithm developed to predict the effect of missense changes on protein structure and function (PolyPhen-2) suggests that this variant is likely to be disruptive. In summary, the available evidence is currently insufficient to determine the role of this variant in disease. Therefore, it has been classified as a Variant of Uncertain Significance.

Ambry Genetics
Classification: Uncertain significance for Inborn genetic diseases. Last evaluated: 2023-09-23. Review status: criteria provided, single submitter. Criteria: Ambry Variant Classification Scheme 2023. Collection method: clinical testing. Allele origin: germline.
Comment: The p.C959W variant (also known as c.2877C>G), located in coding exon 20 of the LTBP3 gene, results from a C to G substitution at nucleotide position 2877. The cysteine at codon 959 is replaced by tryptophan, an amino acid with highly dissimilar properties. This amino acid position is conserved. In addition, this alteration is predicted to be deleterious by in silico analysis. Since supporting evidence is limited at this time, the clinical significance of this alteration remains unclear.

NM_001130144.3(LTBP3):c.2877C>G (p.Cys959Trp)

Genes: LTBP3 (latent transforming growth factor beta binding protein 3; minus strand), LOC130006028 (ATAC-STARR-seq lymphoblastoid active region 4987; plus strand). Cytogenetic location: 11q13.1.
Variant type: single nucleotide variant.
Coding change: c.2877C>G on transcript NM_001130144.3 (MANE Select); coding-DNA position 2877, C replaced by G.
Protein change: p.Cys959Trp; replaces cysteine 959 with tryptophan.
Molecular consequence: missense variant.
Genome position (GRCh38, 1-based): chr11:65,541,142, G>C on the plus strand (C>G on the coding strand, the complement: LTBP3 is on the minus strand). VCF-style: chr11-65541142-G-C. GRCh37 (hg19) VCF-style: chr11-65308613-G-C.
Other names: c.2526C>G, p.Cys842Trp (NM_001164266.1); c.2877C>G, p.Cys959Trp (NM_021070.4); short protein forms C842W, C959W.
Identifiers: ClinVar variation 3233163 (VCV003233163.4), dbSNP rs894566079, ClinGen allele CA224010510.